The following is an entry in ClinVar:

ClinVar aggregate classification (germline): Conflicting classifications of pathogenicity. Review status: criteria provided, conflicting classifications (1 of 4 stars). 2 submissions from 2 submitters: Uncertain significance (1); Likely benign (1). Last evaluated 2025-03-23.

Conditions:
Familial hypobetalipoproteinemia 1. Also called: APOB-Related Familial Hypobetalipoproteinemia; Hypobetalipoproteinemia, normotriglyceridemic; Acanthocytosis with hypobetalipoproteinemia. Identifiers: MedGen C4551990, MONDO:0014252, OMIM 615558.
Hypercholesterolemia, autosomal dominant, type B (FHCL2). Also called: Familial Hypercholesterolemia Type B; APOLIPOPROTEIN B-100, FAMILIAL DEFECTIVE; APOLIPOPROTEIN B-100, FAMILIAL LIGAND-DEFECTIVE; HYPERCHOLESTEROLEMIA, FAMILIAL, DUE TO LIGAND-DEFECTIVE APOLIPOPROTEIN B; Hyperlipoproteinemia Type IIb; Familial hypercholesterolemia 2. Identifiers: MedGen C1704417, MONDO:0007751, OMIM 144010.
Cardiovascular phenotype. Identifiers: MedGen CN230736.

gnomAD v4.1: 11 of 1,567,058 alleles (0.0007%); highest among the groups gnomAD compares: Non-Finnish European, 0.00095%; no homozygotes.

Submissions (2):

Ambry Genetics
Classification: Uncertain significance for Cardiovascular phenotype. Last evaluated: 2025-03-23. Review status: criteria provided, single submitter. Criteria: Ambry Variant Classification Scheme 2023. Collection method: clinical testing. Allele origin: germline.
Comment: The p.R4129S variant (also known as c.12387G>T), located in coding exon 29 of the APOB gene, results from a G to T substitution at nucleotide position 12387. The arginine at codon 4129 is replaced by serine, an amino acid with dissimilar properties. This amino acid position is conserved. In addition, this alteration is predicted to be tolerated by in silico analysis. Based on the available evidence, the clinical significance of this variant remains unclear.

Labcorp Genetics (formerly Invitae), Labcorp
Classification: Likely benign for Familial hypobetalipoproteinemia 1; Hypercholesterolemia, autosomal dominant, type B. Last evaluated: 2024-08-04. Review status: criteria provided, single submitter. Criteria: Invitae Variant Classification Sherloc (09022015). Collection method: clinical testing. Allele origin: germline.

NM_000384.3(APOB):c.12387G>T (p.Arg4129Ser)

Gene: APOB (apolipoprotein B; minus strand). Cytogenetic location: 2p24.1.
Variant type: single nucleotide variant.
Coding change: c.12387G>T on transcript NM_000384.3 (MANE Select); coding-DNA position 12387, G replaced by T.
Protein change: p.Arg4129Ser; replaces arginine 4129 with serine.
Molecular consequence: missense variant.
Genome position (GRCh38, 1-based): chr2:21,003,035, C>A on the plus strand (G>T on the coding strand, the complement: APOB is on the minus strand). VCF-style: chr2-21003035-C-A. GRCh37 (hg19) VCF-style: chr2-21225907-C-A.
Other names: c.12387G>T (NM_000384.2); short protein forms R4129S.
Identifiers: ClinVar variation 3760989 (VCV003760989.3).
Genomic context (GRCh38, chr2:21,003,035, plus strand): 5'-CTGGGCCTTGTCCTTCCACTCTTGGTAGGTCCCAGTGGTGCCACTGGCTGCTTTCTGGAA[C>A]CTCACGTCGATATCATCAATTTGCCTAATGGCCCCTTGATAAACCCACTCAGCATTGTTC-3'
Protein context (NP_000375.3, residues 4119-4139): AIRQIDDIDV[Arg4129Ser]FQKAASGTTG